The following is an entry in ClinVar:

NM_001271.4(CHD2):c.4182_4186del (p.Lys1395fs)

Gene: CHD2 (chromodomain helicase DNA binding protein 2; plus strand). Cytogenetic location: 15q26.1.
Variant type: Deletion.
Coding change: c.4182_4186del on transcript NM_001271.4 (MANE Select); coding-DNA positions 4182 to 4186, 5 bases deleted (GAAAG; older notation c.4182_4186delGAAAG).
Protein change: p.Lys1395fs; shifts the reading frame from lysine 1395.
Molecular consequence: frameshift variant.
Genome position (GRCh38, 1-based): chr15:93,002,221-93,002,225, GAAAG deleted. VCF-style (leftmost placement, unchanged base first): chr15-93002220-AGAAAG-A. GRCh37 (hg19) VCF-style: chr15-93545450-AGAAAG-A.
Other names: short protein forms K1395fs.
Identifiers: ClinVar variation 3491933 (VCV003491933.1).
Genomic context (GRCh38, chr15:93,002,220, plus strand): 5'-CCTGTTTTGTTTCCTAGGATGATGGCTTGGAAAAAAGTCCAATGAAAAAAAAACAGAAGA[AGAAAG>A]AGAACAAGGAGAACAAGGAGAAACAAATGAGTTCTAGGAAAGACAAAGAAGGGGACAAGG-3'

ClinVar aggregate classification (germline): Pathogenic (1 of 4 stars; one submission).

Conditions:
Inborn genetic diseases. Identifiers: MedGen C0950123, MeSH D030342.

Submission:

Ambry Genetics
Classification: Pathogenic for Inborn genetic diseases. Last evaluated: 2024-07-01. Review status: criteria provided, single submitter. Criteria: Ambry Variant Classification Scheme 2023. Collection method: clinical testing. Allele origin: germline.
Comment: The c.4182_4186delGAAAG (p.K1395Efs*12) alteration, located in exon 33 (coding exon 32) of the CHD2 gene, consists of a deletion of 5 nucleotides from position 4182 to 4186, causing a translational frameshift with a predicted alternate stop codon after 12 amino acids. This alteration is expected to result in loss of function by premature protein truncation or nonsense-mediated mRNA decay. This variant was not reported in population-based cohorts in the Genome Aggregation Database (gnomAD). Based on the available evidence, this alteration is classified as pathogenic.